The following is an entry in ClinVar:

NM_000321.3(RB1):c.380+37A>G

Gene: RB1 (RB transcriptional corepressor 1; plus strand). Cytogenetic location: 13q14.2.
Variant type: single nucleotide variant.
Coding change: c.380+37A>G on transcript NM_000321.3 (MANE Select); 37 bases into the intron after coding-DNA position 380, A replaced by G.
Molecular consequence: intron variant.
Genome position (GRCh38, 1-based): chr13:48,342,751, A>G. VCF-style: chr13-48342751-A-G. GRCh37 (hg19) VCF-style: chr13-48916887-A-G.
Other names: c.380+37A>G (NM_001407165.1, NM_001407166.1).
Identifiers: ClinVar variation 4759364 (VCV004759364.1), dbSNP rs118072861.

ClinVar aggregate classification (germline): Likely benign (1 of 4 stars; one submission).

Conditions:
Hereditary retinoblastoma. Identifiers: Orphanet 357027, MedGen C0751483, MONDO:0018160.

gnomAD v4.1: 10,982 of 1,386,562 alleles (0.79%); highest among the groups gnomAD compares: Middle Eastern, 1.3%; 66 homozygotes.

Submission:

Ramesar Group, Division of Human Genetics, Institute of Infectious Diseases and Molecular Medicine, UCT/MRC Genomic and Precision Medicine Research Unit, University of Cape Town
Classification: Likely benign for Hereditary retinoblastoma. Last evaluated: 2025-09-17. Review status: criteria provided, single submitter. Criteria: ACMG Guidelines, 2015. Collection method: research. Allele origin: germline. Affected: no.
Comment: BP5 - Variant found in a patient with a different retinal disease; RB1 is not associated with the phenotype BP7 - A non-coding variant with no predicted effect on splicing (SpliceAI scores are negligible)